The following is an entry in ClinVar:

ClinVar aggregate classification (germline): Uncertain significance. Review status: criteria provided, multiple submitters, no conflicts (2 of 4 stars). 2 submissions from 2 submitters: Uncertain significance (2). Last evaluated 2025-08-26.

Conditions:
Cardiomyopathy (CMYO). Also called: Cardiomyopathies. Identifiers: Orphanet 167848, MedGen C0878544, MONDO:0004994, HP:0001638. Inheritance: Various modes of inheritance.
Catecholaminergic polymorphic ventricular tachycardia 1. Also called: RYR2-Related Catecholaminergic Polymorphic Ventricular Tachycardia; VENTRICULAR TACHYCARDIA, CATECHOLAMINERGIC POLYMORPHIC, 1, WITH OR WITHOUT ATRIAL DYSFUNCTION AND/OR DILATED CARDIOMYOPATHY; VENTRICULAR TACHYCARDIA, STRESS-INDUCED POLYMORPHIC 1. Identifiers: Orphanet 3286, MedGen C1631597, MONDO:0011484, OMIM 604772.

Submissions (2):

Color Diagnostics, LLC DBA Color Health
Classification: Uncertain significance for Cardiomyopathy. Last evaluated: 2025-08-26. Review status: criteria provided, single submitter. Criteria: ACMG Guidelines, 2015. Collection method: clinical testing. Allele origin: germline.
Comment: This missense variant replaces glutamic acid with glutamine at codon 4082 of the RYR2 protein. Computational prediction is inconclusive regarding the impact of this variant on protein structure and function. To our knowledge, functional studies have not been reported for this variant. This variant has been reported in an individual affected with influenza B virus-induced catecholaminergic polymorphic ventricular tachycardia (Nathani 2019, DOI: 10.1097/01.ccm.0000551016.20354.7f). This variant has not been identified in the general population by the Genome Aggregation Database (gnomAD). The available evidence is insufficient to determine the role of this variant in disease conclusively. Therefore, this variant is classified as a Variant of Uncertain Significance.

Labcorp Genetics (formerly Invitae), Labcorp
Classification: Uncertain significance for Catecholaminergic polymorphic ventricular tachycardia 1. Last evaluated: 2018-04-03. Review status: criteria provided, single submitter. Criteria: Invitae Variant Classification Sherloc (09022015). Collection method: clinical testing. Allele origin: germline.
Comment: Algorithms developed to predict the effect of missense changes on protein structure and function (SIFT, PolyPhen-2, Align-GVGD) all suggest that this variant is likely to be disruptive, but these predictions have not been confirmed by published functional studies and their clinical significance is uncertain. In summary, the available evidence is currently insufficient to determine the role of this variant in disease. Therefore, it has been classified as a Variant of Uncertain Significance. This variant has not been reported in the literature in individuals with RYR2-related disease. This variant is not present in population databases (ExAC no frequency). This sequence change replaces glutamic acid with glutamine at codon 4082 of the RYR2 protein (p.Glu4082Gln). The glutamic acid residue is highly conserved and there is a small physicochemical difference between glutamic acid and glutamine.

NM_001035.3(RYR2):c.12244G>C (p.Glu4082Gln)

Gene: RYR2 (ryanodine receptor 2; plus strand). Cytogenetic location: 1q43.
Variant type: single nucleotide variant.
Coding change: c.12244G>C on transcript NM_001035.3 (MANE Select); coding-DNA position 12244, G replaced by C.
Protein change: p.Glu4082Gln; replaces glutamic acid 4082 with glutamine.
Molecular consequence: missense variant.
Genome position (GRCh38, 1-based): chr1:237,783,956, G>C. VCF-style: chr1-237783956-G-C. GRCh37 (hg19) VCF-style: chr1-237947256-G-C.
Other names: c.12244G>C, p.Glu4082Gln (LRG_402t1); short protein forms E4082Q.
Identifiers: ClinVar variation 565840 (VCV000565840.10), dbSNP rs774241742, ClinGen allele CA345412750.
Genomic context (GRCh38, chr1:237,783,956, plus strand): 5'-GAAACGGAATTTCTTTTGTCTTGTGCGGAGACGGATGAGAATGAAACCCTCGACTACGAA[G>C]AGTTCGTCAAACGCTTCCACGAACCTGCGAAGGACATCGGCTTCAACGTCGCCGTCCTTC-3'
Protein context (NP_001026.2, residues 4072-4092): TDENETLDYE[Glu4082Gln]FVKRFHEPAK